The following is an entry in ClinVar:

ClinVar aggregate classification (germline): Benign/Likely benign. Review status: criteria provided, multiple submitters, no conflicts (2 of 4 stars). 2 submissions from 2 submitters: Benign (1); Likely benign (1). Last evaluated 2025-12-29.

Allele frequency attached by ClinVar (database versions not stated): TOPMed 0.00001; gnomAD exomes 0.00010 and 0.00022; gnomAD 0.00011 and 0.00014; ExAC 0.00029; 1000 Genomes Project 30x 0.00031; 1000 Genomes Project 0.00040.
gnomAD v4.1: 163 of 1,614,124 alleles (0.01%); highest among the groups gnomAD compares: South Asian, 0.11%; 2 homozygotes.

Submissions (2):

Labcorp Genetics (formerly Invitae), Labcorp
Classification: Benign. Last evaluated: 2025-12-29. Review status: criteria provided, single submitter. Criteria: Invitae Variant Classification Sherloc (09022015). Collection method: clinical testing. Allele origin: germline.

Laboratory for Molecular Medicine, Mass General Brigham Personalized Medicine
Classification: Likely benign. Last evaluated: 2016-08-16. Review status: criteria provided, single submitter. Criteria: LMM Criteria. Collection method: clinical testing. Allele origin: germline. Observed: 2 variant alleles.
Comment: p.Thr660Thr in exon 16 of MYH9: This variant is not expected to have clinical si gnificance because it does not alter an amino acid residue and is not located wi thin the splice consensus sequence. This variant has been identified in 0.2% (11 /6454) of Finnish chromosomes and in 0.1% (22/16476) of South Asian chromosomes by the Exome Aggregation Consortium (ExAC; dbSNP rs200975323).

NM_002473.6(MYH9):c.1980G>A (p.Thr660=)

Gene: MYH9 (myosin heavy chain 9; minus strand). Cytogenetic location: 22q12.3.
Variant type: single nucleotide variant.
Coding change: c.1980G>A on transcript NM_002473.6 (MANE Select); coding-DNA position 1980, G replaced by A.
Protein change: p.Thr660=; no amino-acid change (threonine 660 retained).
Molecular consequence: synonymous variant.
Genome position (GRCh38, 1-based): chr22:36,306,471, C>T on the plus strand (G>A on the coding strand, the complement: MYH9 is on the minus strand). VCF-style: chr22-36306471-C-T. GRCh37 (hg19) VCF-style: chr22-36702517-C-T.
Identifiers: ClinVar variation 179191 (VCV000179191.9), dbSNP rs200975323, ClinGen allele CA183922.